The following is an entry in ClinVar:

ClinVar aggregate classification (germline): Uncertain significance. Review status: criteria provided, multiple submitters, no conflicts (2 of 4 stars). 3 submissions from 3 submitters: Uncertain significance (3). Last evaluated 2025-12-24.

Conditions:
PRF1-related disorder. Also called: PRF1-related condition.
Inborn genetic diseases. Identifiers: MedGen C0950123, MeSH D030342.
Familial hemophagocytic lymphohistiocytosis 2 (FHL2). Also called: PRF1-Related Familial Hemophagocytic Lymphohistiocytosis (PRF1-fHLH). Identifiers: Orphanet 540, MedGen C1863727, MONDO:0011337, OMIM 603553.

Allele frequency attached by ClinVar (database versions not stated): ExAC 0.00008; gnomAD exomes 0.00008 and 0.00012; TOPMed 0.00014; ESP Exome Variant Server 0.00015; gnomAD 0.00015 and 0.00016.
gnomAD v4.1: 192 of 1,613,686 alleles (0.012%); highest among the groups gnomAD compares: Non-Finnish European, 0.016%; no homozygotes.

Submissions (3):

Labcorp Genetics (formerly Invitae), Labcorp
Classification: Uncertain significance for Familial hemophagocytic lymphohistiocytosis 2. Last evaluated: 2025-12-24. Review status: criteria provided, single submitter. Criteria: Invitae Variant Classification Sherloc (09022015). Collection method: clinical testing. Allele origin: germline.
Comment: This sequence change replaces alanine, which is neutral and non-polar, with valine, which is neutral and non-polar, at codon 235 of the PRF1 protein (p.Ala235Val). This variant is present in population databases (rs142403457, gnomAD 0.02%). This variant has not been reported in the literature in individuals affected with PRF1-related conditions. ClinVar contains an entry for this variant (Variation ID: 965669). Invitae Evidence Modeling of protein sequence and biophysical properties (such as structural, functional, and spatial information, amino acid conservation, physicochemical variation, residue mobility, and thermodynamic stability) indicates that this missense variant is not expected to disrupt PRF1 protein function with a negative predictive value of 95%. In summary, the available evidence is currently insufficient to determine the role of this variant in disease. Therefore, it has been classified as a Variant of Uncertain Significance.

Ambry Genetics
Classification: Uncertain significance for Inborn genetic diseases. Last evaluated: 2025-05-23. Review status: criteria provided, single submitter. Criteria: Ambry Variant Classification Scheme 2023. Collection method: clinical testing. Allele origin: germline.

PreventionGenetics, part of Exact Sciences
Classification: Uncertain significance for PRF1-related condition. Last evaluated: 2023-05-12. Review status: criteria provided, single submitter. Criteria: ACMG Guidelines, 2015. Collection method: clinical testing. Allele origin: germline.
Comment: The PRF1 c.704C>T variant is predicted to result in the amino acid substitution p.Ala235Val. To our knowledge, this variant has not been reported in the literature. This variant is reported in 0.021% of alleles in individuals of European (Non-Finnish) descent in gnomAD. At this time, the clinical significance of this variant is uncertain due to the absence of conclusive functional and genetic evidence.

NM_001083116.3(PRF1):c.704C>T (p.Ala235Val)

Gene: PRF1 (perforin 1; minus strand). Cytogenetic location: 10q22.1.
Variant type: single nucleotide variant.
Coding change: c.704C>T on transcript NM_001083116.3 (MANE Select); coding-DNA position 704, C replaced by T.
Protein change: p.Ala235Val; replaces alanine 235 with valine.
Molecular consequence: missense variant.
Genome position (GRCh38, 1-based): chr10:70,599,017, G>A on the plus strand (C>T on the coding strand, the complement: PRF1 is on the minus strand). VCF-style: chr10-70599017-G-A. GRCh37 (hg19) VCF-style: chr10-72358773-G-A.
Other names: c.704C>T, p.Ala235Val (NM_005041.6); short protein forms A235V.
Identifiers: ClinVar variation 965669 (VCV000965669.9), dbSNP rs142403457, ClinGen allele CA5538939.